The following is an entry in ClinVar:

NM_017757.3(ZNF407):c.3686A>G (p.His1229Arg)

Gene: ZNF407 (zinc finger protein 407; plus strand). Cytogenetic location: 18q22.3.
Variant type: single nucleotide variant.
Coding change: c.3686A>G on transcript NM_017757.3 (MANE Select); coding-DNA position 3686, A replaced by G.
Protein change: p.His1229Arg; replaces histidine 1229 with arginine.
Molecular consequence: missense variant.
Genome position (GRCh38, 1-based): chr18:74,634,705, A>G. VCF-style: chr18-74634705-A-G. GRCh37 (hg19) VCF-style: chr18-72346661-A-G.
Other names: c.3686A>G, p.His1229Arg (NM_001146189.1, NM_001146190.1, NM_001384475.1); short protein forms H1229R.
Identifiers: ClinVar variation 2428832 (VCV002428832.5), dbSNP rs200033322, ClinGen allele CA9000727.

ClinVar aggregate classification (germline): Uncertain significance. Review status: criteria provided, multiple submitters, no conflicts (2 of 4 stars). 2 submissions from 2 submitters: Uncertain significance (2). Last evaluated 2025-03-14.

Allele frequency attached by ClinVar (database versions not stated): gnomAD exomes 0.00007; TOPMed 0.00026; gnomAD 0.00019; 1000 Genomes Project 0.00080; ExAC 0.00019; 1000 Genomes Project 30x 0.00109.
gnomAD v4.1: 136 of 1,614,038 alleles (0.0084%); highest among the groups gnomAD compares: East Asian, 0.14%; no homozygotes.

Submissions (2):

GeneDx
Classification: Uncertain significance. Last evaluated: 2025-03-14. Review status: criteria provided, single submitter. Criteria: GeneDx Variant Classification Process June 2021. Collection method: clinical testing. Allele origin: germline.
Comment: In silico analysis indicates that this missense variant does not alter protein structure/function; Has not been previously published as pathogenic or benign to our knowledge

Ambry Genetics
Classification: Uncertain significance. Last evaluated: 2024-09-30. Review status: criteria provided, single submitter. Criteria: Ambry Variant Classification Scheme 2023. Collection method: clinical testing. Allele origin: germline.